The following is an entry in ClinVar:

NM_004006.3(DMD):c.8072T>C (p.Leu2691Pro)

Gene: DMD (dystrophin; minus strand). Cytogenetic location: Xp21.1.
Variant type: single nucleotide variant.
Coding change: c.8072T>C on transcript NM_004006.3 (MANE Select); coding-DNA position 8072, T replaced by C.
Protein change: p.Leu2691Pro; replaces leucine 2691 with proline.
Molecular consequence: missense variant.
Genome position (GRCh38, 1-based): chrX:31,627,818, A>G on the plus strand (T>C on the coding strand, the complement: DMD is on the minus strand). VCF-style: chrX-31627818-A-G. GRCh37 (hg19) VCF-style: chrX-31645935-A-G.
Other names: c.8048T>C, p.Leu2683Pro (NM_000109.4); c.8060T>C, p.Leu2687Pro (NM_004009.3); c.7703T>C, p.Leu2568Pro (NM_004010.3); c.4049T>C, p.Leu1350Pro (NM_004011.4); c.4040T>C, p.Leu1347Pro (NM_004012.4); c.692T>C, p.Leu231Pro (NM_004013.3, NM_004020.4, NM_004021.3 and 2 more transcripts); short protein forms L1350P, L231P, L2683P, L1347P, L2687P, L2568P, L2691P.
Identifiers: ClinVar variation 1403769 (VCV001403769.8), dbSNP rs748485762, ClinGen allele CA10378141.

ClinVar aggregate classification (germline): Uncertain significance. Review status: criteria provided, multiple submitters, no conflicts (2 of 4 stars). 3 submissions from 3 submitters: Uncertain significance (3). Last evaluated 2025-10-07.

Conditions:
Duchenne muscular dystrophy (DMD). Also called: MUSCULAR DYSTROPHY, PSEUDOHYPERTROPHIC PROGRESSIVE, DUCHENNE TYPE; Duchenne Muscular Dystrophy (DMD). Identifiers: Orphanet 98896, MedGen C0013264, MONDO:0010679, OMIM 310200.
Becker muscular dystrophy (BMD). Also called: MUSCULAR DYSTROPHY, PSEUDOHYPERTROPHIC PROGRESSIVE, BECKER TYPE; Becker Muscular Dystrophy (BMD). Identifiers: Orphanet 98895, MedGen C0917713, MONDO:0010311, OMIM 300376.
Dilated cardiomyopathy 3B (CMD3B). Also called: CMD3B: DMD-Related Dilated Cardiomyopathy; CARDIOMYOPATHY, DILATED, X-LINKED; DMD-Associated Dilated Cardiomyopathy. Identifiers: Orphanet 154, MedGen C3668940, MONDO:0010542, OMIM 302045.

Allele frequency attached by ClinVar (database versions not stated): gnomAD exomes below 0.00001 and 0.00001; TOPMed below 0.00001; ExAC 0.00001.
gnomAD v4.1: 1 of 1,210,884 alleles (0.000083%); highest among the groups gnomAD compares: African/African-American, 0.0017%; no homozygotes.

Submissions (3):

Labcorp Genetics (formerly Invitae), Labcorp
Classification: Uncertain significance for Duchenne muscular dystrophy. Last evaluated: 2025-10-07. Review status: criteria provided, single submitter. Criteria: Invitae Variant Classification Sherloc (09022015). Collection method: clinical testing. Allele origin: germline.
Comment: This sequence change replaces leucine, which is neutral and non-polar, with proline, which is neutral and non-polar, at codon 2691 of the DMD protein (p.Leu2691Pro). The frequency data for this variant in the population databases is considered unreliable, as metrics indicate poor data quality at this position in the gnomAD database. This variant has not been reported in the literature in individuals affected with DMD-related conditions. ClinVar contains an entry for this variant (Variation ID: 1403769). Invitae Evidence Modeling of protein sequence and biophysical properties (such as structural, functional, and spatial information, amino acid conservation, physicochemical variation, residue mobility, and thermodynamic stability) indicates that this missense variant is not expected to disrupt DMD protein function with a negative predictive value of 95%. In summary, the available evidence is currently insufficient to determine the role of this variant in disease. Therefore, it has been classified as a Variant of Uncertain Significance.

GeneDx
Classification: Uncertain significance. Last evaluated: 2024-04-08. Review status: criteria provided, single submitter. Criteria: GeneDx Variant Classification Process June 2021. Collection method: clinical testing. Allele origin: germline. Affected: yes.
Comment: Not observed at significant frequency in large population cohorts (gnomAD); In silico analysis supports that this missense variant has a deleterious effect on protein structure/function; Missense variant in a gene in which most reported pathogenic variants are truncating/loss of function; Has not been previously published as pathogenic or benign to our knowledge

Fulgent Genetics
Classification: Uncertain significance for Becker muscular dystrophy; Dilated cardiomyopathy 3B; Duchenne muscular dystrophy. Last evaluated: 2021-09-20. Review status: criteria provided, single submitter. Criteria: ACMG Guidelines, 2015. Collection method: clinical testing. Allele origin: unknown.